The following is an entry in ClinVar:

NM_000297.4(PKD2):c.2780A>C (p.His927Pro)

Gene: PKD2 (polycystin 2, transient receptor potential cation channel; plus strand). Cytogenetic location: 4q22.1.
Variant type: single nucleotide variant.
Coding change: c.2780A>C on transcript NM_000297.4 (MANE Select); coding-DNA position 2780, A replaced by C.
Protein change: p.His927Pro; replaces histidine 927 with proline.
Molecular consequence: missense variant. On other transcripts: non-coding transcript variant (1).
Genome position (GRCh38, 1-based): chr4:88,075,567, A>C. VCF-style: chr4-88075567-A-C. GRCh37 (hg19) VCF-style: chr4-88996719-A-C.
Other names: short protein forms H927P.
Identifiers: ClinVar variation 1517866 (VCV001517866.8), dbSNP rs374072424, ClinGen allele CA3004359.

ClinVar aggregate classification (germline): Uncertain significance (1 of 4 stars; one submission).

Conditions:
Autosomal dominant polycystic kidney disease. Identifiers: Orphanet 730, MedGen C0085413, MONDO:0004691.

Allele frequency attached by ClinVar (database versions not stated): TOPMed below 0.00001; gnomAD exomes 0.00001 and 0.00002; ExAC 0.00003; ESP Exome Variant Server 0.00008.
gnomAD v4.1: 8 of 1,614,156 alleles (0.0005%); highest among the groups gnomAD compares: Non-Finnish European, 0.00051%; no homozygotes.

Submission:

Labcorp Genetics (formerly Invitae), Labcorp
Classification: Uncertain significance for Autosomal dominant polycystic kidney disease. Last evaluated: 2025-06-17. Review status: criteria provided, single submitter. Criteria: Invitae Variant Classification Sherloc (09022015). Collection method: clinical testing. Allele origin: germline.
Comment: This sequence change replaces histidine, which is basic and polar, with proline, which is neutral and non-polar, at codon 927 of the PKD2 protein (p.His927Pro). This variant is present in population databases (rs374072424, gnomAD 0.004%). This variant has not been reported in the literature in individuals affected with PKD2-related conditions. ClinVar contains an entry for this variant (Variation ID: 1517866). An algorithm developed to predict the effect of missense changes on protein structure and function (PolyPhen-2) suggests that this variant is likely to be disruptive. In summary, the available evidence is currently insufficient to determine the role of this variant in disease. Therefore, it has been classified as a Variant of Uncertain Significance.